The following is an entry in ClinVar:

ClinVar aggregate classification (germline): Uncertain significance (1 of 4 stars; one submission).

Conditions:
Immunodeficiency 35 (IMD35). Also called: TYK2 DEFICIENCY; Susceptibility to infection due to TYK2 deficiency; HIES WITH ATYPICAL MYCOBACTERIOSIS, AUTOSOMAL RECESSIVE; HYPER-IgE SYNDROME WITH ATYPICAL MYCOBACTERIOSIS, AUTOSOMAL RECESSIVE. Identifiers: Orphanet 331226, MedGen C1969086, MONDO:0012682, OMIM 611521.

Allele frequency attached by ClinVar (database versions not stated): gnomAD exomes below 0.00001; gnomAD 0.00001.
gnomAD v4.1: 2 of 1,614,018 alleles (0.00012%); highest among the groups gnomAD compares: African/African-American, 0.0013%; no homozygotes.

Submission:

Labcorp Genetics (formerly Invitae), Labcorp
Classification: Uncertain significance for Immunodeficiency 35. Last evaluated: 2022-04-06. Review status: criteria provided, single submitter. Criteria: Invitae Variant Classification Sherloc (09022015). Collection method: clinical testing. Allele origin: germline.
Comment: In summary, the available evidence is currently insufficient to determine the role of this variant in disease. Therefore, it has been classified as a Variant of Uncertain Significance. Algorithms developed to predict the effect of sequence changes on RNA splicing suggest that this variant may create or strengthen a splice site. Algorithms developed to predict the effect of missense changes on protein structure and function are either unavailable or do not agree on the potential impact of this missense change (SIFT: "Not Available"; PolyPhen-2: "Benign"; Align-GVGD: "Not Available"). This variant has not been reported in the literature in individuals affected with TYK2-related conditions. This variant is not present in population databases (gnomAD no frequency). This sequence change replaces threonine, which is neutral and polar, with alanine, which is neutral and non-polar, at codon 1161 of the TYK2 protein (p.Thr1161Ala).

NM_003331.5(TYK2):c.3481A>G (p.Thr1161Ala)

Gene: TYK2 (tyrosine kinase 2; minus strand). Cytogenetic location: 19p13.2.
Variant type: single nucleotide variant.
Coding change: c.3481A>G on transcript NM_003331.5 (MANE Select); coding-DNA position 3481, A replaced by G.
Protein change: p.Thr1161Ala; replaces threonine 1161 with alanine.
Molecular consequence: missense variant.
Genome position (GRCh38, 1-based): chr19:10,350,917, T>C on the plus strand (A>G on the coding strand, the complement: TYK2 is on the minus strand). VCF-style: chr19-10350917-T-C. GRCh37 (hg19) VCF-style: chr19-10461593-T-C.
Other names: c.3283A>G, p.Thr1095Ala (NM_001385201.1); c.3397A>G, p.Thr1133Ala (NM_001385202.1); c.3562A>G, p.Thr1188Ala (NM_001385203.1); c.3691A>G, p.Thr1231Ala (NM_001385204.1); c.3391A>G, p.Thr1131Ala (NM_001385205.1); c.3355A>G, p.Thr1119Ala (NM_001385206.1); c.3463A>G, p.Thr1155Ala (NM_001385207.1); c.3370A>G, p.Thr1124Ala (NM_001385197.1); and 3 more; short protein forms T1095A, T1099A, T1131A, T1133A, T1188A, T1111A, T1155A, T1161A.
Identifiers: ClinVar variation 1511132 (VCV001511132.6), dbSNP rs905890917, ClinGen allele CA305191231.